The following is an entry in ClinVar:

ClinVar aggregate classification (germline): Uncertain significance (1 of 4 stars; one submission).

Submission:

Laboratory for Molecular Medicine, Mass General Brigham Personalized Medicine
Classification: Uncertain significance. Last evaluated: 2015-07-01. Review status: criteria provided, single submitter. Criteria: LMM Criteria. Collection method: clinical testing. Allele origin: germline. Observed: 1 variant allele.
Comment: The c.(?_8488)_(*111_?)dup variant in DSP is a duplication of the terminal part of the last exon of the gene (including at least part of the 3' UTR although the distal breakpoint is unknown). This variant has not been previously reported i n individuals with cardiomyopathy but larger duplications spanning this region h ave been reported in 2 individuals without any reported clinical features (Wong 2007, DGV nsv830580; Kidd 2008, DGV nsv5189). In summary, the impact of this dup lication on protein structure and/or function, if any, cannot be determined with out additional studies and its clinical significance is uncertain.

Literature cited by the submitters: PubMed 17160897; PubMed 18451855.

NC_000006.11:g.(?_7585983)_(7586222_?)dup

Gene: DSP (desmoplakin; plus strand). Cytogenetic location: 6p24.3.
Variant type: Duplication.
Other names: NM_004415.3(DSP):c.(?_8488)_(*111_?)dup; c.(?_8488)_(*111_?)dup (LRG_423t1).
Identifiers: ClinVar variation 228634 (VCV000228634.4).